The following is an entry in ClinVar:

ClinVar aggregate classification (germline): Uncertain significance (1 of 4 stars; one submission).

Allele frequency attached by ClinVar (database versions not stated): ExAC 0.00003; gnomAD exomes 0.00003 and 0.00006; gnomAD 0.00004 and 0.00005; TOPMed 0.00006.
gnomAD v4.1: 54 of 1,602,654 alleles (0.0034%); highest among the groups gnomAD compares: Admixed American, 0.02%; no homozygotes.

Submission:

Labcorp Genetics (formerly Invitae), Labcorp
Classification: Uncertain significance. Last evaluated: 2022-03-12. Review status: criteria provided, single submitter. Criteria: Invitae Variant Classification Sherloc (09022015). Collection method: clinical testing. Allele origin: germline.
Comment: This sequence change replaces threonine, which is neutral and polar, with methionine, which is neutral and non-polar, at codon 798 of the LTBP2 protein (p.Thr798Met). The frequency data for this variant in the population databases is considered unreliable, as metrics indicate poor data quality at this position in the gnomAD database. This variant has not been reported in the literature in individuals affected with LTBP2-related conditions. Algorithms developed to predict the effect of missense changes on protein structure and function output the following: SIFT: "Deleterious"; PolyPhen-2: "Benign"; Align-GVGD: "Class C65". The methionine amino acid residue is found in multiple mammalian species, which suggests that this missense change does not adversely affect protein function. In summary, the available evidence is currently insufficient to determine the role of this variant in disease. Therefore, it has been classified as a Variant of Uncertain Significance.

NM_000428.3(LTBP2):c.2393C>T (p.Thr798Met)

Gene: LTBP2 (latent transforming growth factor beta binding protein 2; minus strand). Cytogenetic location: 14q24.3.
Variant type: single nucleotide variant.
Coding change: c.2393C>T on transcript NM_000428.3 (MANE Select); coding-DNA position 2393, C replaced by T.
Protein change: p.Thr798Met; replaces threonine 798 with methionine.
Molecular consequence: missense variant.
Genome position (GRCh38, 1-based): chr14:74,526,110, G>A on the plus strand (C>T on the coding strand, the complement: LTBP2 is on the minus strand). VCF-style: chr14-74526110-G-A. GRCh37 (hg19) VCF-style: chr14-74992813-G-A.
Other names: short protein forms T798M.
Identifiers: ClinVar variation 1432002 (VCV001432002.3), dbSNP rs551341275, ClinGen allele CA7269528.
Genomic context (GRCh38, chr14:74,526,110, plus strand): 5'-GGAGCCGCCAGGAAGAGGGACTCACCTGTGACCCAGGCAGGTGCATGAGTGACACTGGTC[G>A]TGACCTGCACAGAAACAGGAGAAGGTCACTTTTGGCTCCTCTGCCGTACCTGTGATGTGC-3'
Protein context (NP_000419.1, residues 788-808): DKGDSQAGQV[Thr798Met]TSVTHAPAWV